The following is an entry in ClinVar:

ClinVar aggregate classification (germline): Uncertain significance (1 of 4 stars; one submission).

Conditions:
Epilepsy, childhood absence, susceptibility to, 1. Also called: Epilepsy, childhood absence 1. Identifiers: Orphanet 64280, MedGen C1838604, MONDO:0020759, OMIM 600131.
Epilepsy, childhood absence, susceptibility to, 5. Identifiers: Orphanet 64280, MedGen C2677087, MONDO:0012843, OMIM 612269.

Submission:

Labcorp Genetics (formerly Invitae), Labcorp
Classification: Uncertain significance for Epilepsy, childhood absence, susceptibility to, 5; Epilepsy, childhood absence, susceptibility to, 1. Last evaluated: 2023-06-05. Review status: criteria provided, single submitter. Criteria: Invitae Variant Classification Sherloc (09022015). Collection method: clinical testing. Allele origin: germline.
Comment: This variant is not present in population databases (gnomAD no frequency). In summary, the available evidence is currently insufficient to determine the role of this variant in disease. Therefore, it has been classified as a Variant of Uncertain Significance. Advanced modeling of protein sequence and biophysical properties (such as structural, functional, and spatial information, amino acid conservation, physicochemical variation, residue mobility, and thermodynamic stability) performed at Invitae indicates that this missense variant is not expected to disrupt GABRB3 protein function. ClinVar contains an entry for this variant (Variation ID: 840123). This variant has not been reported in the literature in individuals affected with GABRB3-related conditions. This sequence change replaces glycine, which is neutral and non-polar, with glutamic acid, which is acidic and polar, at codon 417 of the GABRB3 protein (p.Gly417Glu).

NM_000814.6(GABRB3):c.1250G>A (p.Gly417Glu)

Gene: GABRB3 (gamma-aminobutyric acid type A receptor subunit beta3; minus strand). Cytogenetic location: 15q12.
Variant type: single nucleotide variant.
Coding change: c.1250G>A on transcript NM_000814.6 (MANE Select); coding-DNA position 1250, G replaced by A.
Protein change: p.Gly417Glu; replaces glycine 417 with glutamic acid.
Molecular consequence: missense variant.
Genome position (GRCh38, 1-based): chr15:26,547,965, C>T on the plus strand (G>A on the coding strand, the complement: GABRB3 is on the minus strand). VCF-style: chr15-26547965-C-T. GRCh37 (hg19) VCF-style: chr15-26793112-C-T.
Other names: c.995G>A, p.Gly332Glu (NM_001191320.2, NM_001278631.2); c.1037G>A, p.Gly346Glu (NM_001191321.3); c.1250G>A, p.Gly417Glu (NM_021912.5); short protein forms G332E, G346E, G417E.
Identifiers: ClinVar variation 840123 (VCV000840123.10), dbSNP rs1889319677, ClinGen allele CA391458807.